The following is an entry in ClinVar:

NM_003611.3(OFD1):c.2628A>C (p.Gln876His)

Gene: OFD1 (OFD1 centriole and centriolar satellite protein; plus strand). Cytogenetic location: Xp22.2.
Variant type: single nucleotide variant.
Coding change: c.2628A>C on transcript NM_003611.3 (MANE Select); coding-DNA position 2628, A replaced by C.
Protein change: p.Gln876His; replaces glutamine 876 with histidine.
Molecular consequence: missense variant.
Genome position (GRCh38, 1-based): chrX:13,767,155, A>C. VCF-style: chrX-13767155-A-C. GRCh37 (hg19) VCF-style: chrX-13785274-A-C.
Other names: c.2508A>C, p.Gln836His (NM_001330209.2); c.2208A>C, p.Gln736His (NM_001330210.2); c.2517A>C, p.Gln839His (NM_001440947.1); c.2397A>C, p.Gln799His (NM_001440948.1); short protein forms Q736H, Q799H, Q836H, Q839H, Q876H.
Identifiers: ClinVar variation 4532568 (VCV004532568.2).

ClinVar aggregate classification (germline): Uncertain significance. Review status: criteria provided, multiple submitters, no conflicts (2 of 4 stars). 2 submissions from 2 submitters: Uncertain significance (2). Last evaluated 2026-06-04.

Conditions:
OFD1-related disorder. Also called: OFD1-related condition.

gnomAD v4.1: 1 of 1,177,213 alleles (0.000085%); highest among the groups gnomAD compares: East Asian, 0.003%; no homozygotes.

Submissions (2):

PreventionGenetics, part of Exact Sciences
Classification: Uncertain significance for OFD1-related condition. Last evaluated: 2026-06-04. Review status: criteria provided, single submitter. Criteria: ACMG Guidelines, 2015. Collection method: clinical testing. Allele origin: germline.
Comment: The OFD1 c.2628A>C variant is predicted to result in the amino acid substitution p.Gln876His. To our knowledge, this variant has not been reported in the literature or in a large population database (gnomAD), indicating this variant is rare. At this time, the clinical significance of this variant is uncertain due to the absence of conclusive functional and genetic evidence.

GeneDx
Classification: Uncertain significance. Last evaluated: 2025-05-28. Review status: criteria provided, single submitter. Criteria: GeneDx Variant Classification Process June 2021. Collection method: clinical testing. Allele origin: germline. Affected: yes.
Comment: Not observed at significant frequency in large population cohorts (gnomAD); In silico analysis suggests that this missense variant does not alter protein structure/function; Has not been previously published as pathogenic or benign to our knowledge